The following is an entry in ClinVar:

NM_002834.5(PTPN11):c.276T>A (p.Asn92Lys)

Gene: PTPN11 (protein tyrosine phosphatase non-receptor type 11; plus strand). Cytogenetic location: 12q24.13.
Variant type: single nucleotide variant.
Coding change: c.276T>A on transcript NM_002834.5 (MANE Select); coding-DNA position 276, T replaced by A.
Protein change: p.Asn92Lys; replaces asparagine 92 with lysine.
Molecular consequence: missense variant.
Genome position (GRCh38, 1-based): chr12:112,450,456, T>A. VCF-style: chr12-112450456-T-A. GRCh37 (hg19) VCF-style: chr12-112888260-T-A.
Other names: c.276T>A, p.Asn92Lys (NM_001330437.2, NM_080601.3); c.273T>A, p.Asn91Lys (NM_001374625.1); short protein forms N91K, N92K.
Identifiers: ClinVar variation 1516052 (VCV001516052.8), dbSNP rs2135862739, ClinGen allele CA386778161.

ClinVar aggregate classification (germline): Uncertain significance (1 of 4 stars; one submission).

Conditions:
RASopathy. Also called: Noonan spectrum disorder; rasopathies. Identifiers: Orphanet 536391, MedGen C5555857, MONDO:0021060.

Submission:

Labcorp Genetics (formerly Invitae), Labcorp
Classification: Uncertain significance for RASopathy. Last evaluated: 2024-04-05. Review status: criteria provided, single submitter. Criteria: Invitae Variant Classification Sherloc (09022015). Collection method: clinical testing. Allele origin: germline.
Comment: This sequence change replaces asparagine, which is neutral and polar, with lysine, which is basic and polar, at codon 92 of the PTPN11 protein (p.Asn92Lys). This variant is not present in population databases (gnomAD no frequency). This variant has not been reported in the literature in individuals affected with PTPN11-related conditions. ClinVar contains an entry for this variant (Variation ID: 1516052). Advanced modeling of protein sequence and biophysical properties (such as structural, functional, and spatial information, amino acid conservation, physicochemical variation, residue mobility, and thermodynamic stability) performed at Invitae indicates that this missense variant is expected to disrupt PTPN11 protein function with a positive predictive value of 95%. In summary, the available evidence is currently insufficient to determine the role of this variant in disease. Therefore, it has been classified as a Variant of Uncertain Significance.